The following is an entry in ClinVar:

ClinVar aggregate classification (germline): Uncertain significance (1 of 4 stars; one submission).

Conditions:
Charcot-Marie-Tooth disease axonal type 2C (HMSN2C). Also called: CHARCOT-MARIE-TOOTH DISEASE, AXONAL, AUTOSOMAL DOMINANT, TYPE 2C; Charcot-Marie-Tooth Neuropathy Type 2C; Charcot-Marie-Tooth Disease Type 2, TRPV4-Related (CMT2C). Identifiers: Orphanet 99937, MedGen C1853710, MONDO:0011633, OMIM 606071.

Allele frequency attached by ClinVar (database versions not stated): gnomAD exomes below 0.00001; TOPMed 0.00001.
gnomAD v4.1: 3 of 1,614,172 alleles (0.00019%); highest among the groups gnomAD compares: African/African-American, 0.004%; no homozygotes.

Submission:

Labcorp Genetics (formerly Invitae), Labcorp
Classification: Uncertain significance for Charcot-Marie-Tooth disease axonal type 2C. Last evaluated: 2022-07-06. Review status: criteria provided, single submitter. Criteria: Invitae Variant Classification Sherloc (09022015). Collection method: clinical testing. Allele origin: germline.
Comment: This variant has not been reported in the literature in individuals affected with TRPV4-related conditions. In summary, the available evidence is currently insufficient to determine the role of this variant in disease. Therefore, it has been classified as a Variant of Uncertain Significance. Advanced modeling of protein sequence and biophysical properties (such as structural, functional, and spatial information, amino acid conservation, physicochemical variation, residue mobility, and thermodynamic stability) performed at Invitae indicates that this missense variant is not expected to disrupt TRPV4 protein function. ClinVar contains an entry for this variant (Variation ID: 1357803). This variant is present in population databases (no rsID available, gnomAD 0.007%). This sequence change replaces methionine, which is neutral and non-polar, with lysine, which is basic and polar, at codon 642 of the TRPV4 protein (p.Met642Lys).

NM_021625.5(TRPV4):c.1925T>A (p.Met642Lys)

Gene: TRPV4 (transient receptor potential cation channel subfamily V member 4; minus strand). Cytogenetic location: 12q24.11.
Variant type: single nucleotide variant.
Coding change: c.1925T>A on transcript NM_021625.5 (MANE Select); coding-DNA position 1925, T replaced by A.
Protein change: p.Met642Lys; replaces methionine 642 with lysine.
Molecular consequence: missense variant.
Genome position (GRCh38, 1-based): chr12:109,788,683, A>T on the plus strand (T>A on the coding strand, the complement: TRPV4 is on the minus strand). VCF-style: chr12-109788683-A-T. GRCh37 (hg19) VCF-style: chr12-110226488-A-T.
Other names: c.1784T>A, p.Met595Lys (NM_001177428.2); c.1823T>A, p.Met608Lys (NM_001177431.2); c.1604T>A, p.Met535Lys (NM_001177433.2); c.1745T>A, p.Met582Lys (NM_147204.3); short protein forms M535K, M595K, M608K, M582K, M642K.
Identifiers: ClinVar variation 1357803 (VCV001357803.8), dbSNP rs1368161455, ClinGen allele CA386651131.